The following is an entry in ClinVar:

NM_004656.4(BAP1):c.953dup (p.Ser319fs)

Gene: BAP1 (BRCA1 associated deubiquitinase 1; minus strand). Cytogenetic location: 3p21.1.
Variant type: Duplication.
Coding change: c.953dup on transcript NM_004656.4 (MANE Select); coding-DNA position 953, one base duplicated (G; older notation c.953dupG).
Protein change: p.Ser319fs; shifts the reading frame from serine 319.
Molecular consequence: frameshift variant.
Genome position (GRCh38, 1-based): chr3:52,405,273, C duplicated on the plus strand (G on the coding strand, the reverse complement: BAP1 is on the minus strand); the first of 2 consecutive C bases (chr3:52,405,273-52,405,274); duplicating either gives the same sequence. VCF-style (leftmost placement, unchanged base first): chr3-52405272-A-AC. GRCh37 (hg19) VCF-style: chr3-52439288-A-AC.
Other names: c.899dup, p.Ser301fs (NM_001410772.1); short protein forms S301fs, S319fs.
Identifiers: ClinVar variation 3240843 (VCV003240843.2), dbSNP rs2471337286.

ClinVar aggregate classification (germline): Pathogenic/Likely pathogenic. Review status: criteria provided, multiple submitters, no conflicts (2 of 4 stars). 2 submissions from 2 submitters: Pathogenic (1); Likely pathogenic (1). Last evaluated 2025-02-23.

Conditions:
BAP1-related tumor predisposition syndrome (TPDS1). Also called: Tumor susceptibility linked to germline BAP1 mutations; TUMOR PREDISPOSITION SYNDROME 1; BAP1 tumor predisposition syndrome; COMMON Syndrome. Identifiers: Orphanet 289539, MedGen C3280492, MONDO:0013692, OMIM 614327.

Submissions (2):

Labcorp Genetics (formerly Invitae), Labcorp
Classification: Pathogenic for BAP1-related tumor predisposition syndrome. Last evaluated: 2025-02-23. Review status: criteria provided, single submitter. Criteria: Invitae Variant Classification Sherloc (09022015). Collection method: clinical testing. Allele origin: germline.
Comment: This sequence change creates a premature translational stop signal (p.Ser319Phefs*79) in the BAP1 gene. It is expected to result in an absent or disrupted protein product. Loss-of-function variants in BAP1 are known to be pathogenic (PMID: 21874000, 23684012). This variant is not present in population databases (gnomAD no frequency). This variant has not been reported in the literature in individuals affected with BAP1-related conditions. ClinVar contains an entry for this variant (Variation ID: 3240843). For these reasons, this variant has been classified as Pathogenic.

Baylor Genetics
Classification: Likely pathogenic for BAP1-related tumor predisposition syndrome. Last evaluated: 2024-03-25. Review status: criteria provided, single submitter. Criteria: ACMG Guidelines, 2015. Collection method: clinical testing. Allele origin: unknown.

Literature cited by the submitters: PubMed 21874000 (cited by Labcorp Genetics (formerly Invitae), Labcorp); PubMed 23684012 (cited by Labcorp Genetics (formerly Invitae), Labcorp).